The following is an entry in ClinVar:

ClinVar aggregate classification (germline): Uncertain significance (1 of 4 stars; one submission).

Allele frequency attached by ClinVar (database versions not stated): TOPMed below 0.00001; ExAC 0.00001; gnomAD exomes 0.00001.
gnomAD v4.1: 13 of 1,613,666 alleles (0.00081%); highest among the groups gnomAD compares: South Asian, 0.0066%; no homozygotes.

Submission:

Labcorp Genetics (formerly Invitae), Labcorp
Classification: Uncertain significance. Last evaluated: 2022-08-11. Review status: criteria provided, single submitter. Criteria: Invitae Variant Classification Sherloc (09022015). Collection method: clinical testing. Allele origin: germline.
Comment: This sequence change replaces glycine, which is neutral and non-polar, with arginine, which is basic and polar, at codon 520 of the PDE6C protein (p.Gly520Arg). This variant is present in population databases (rs267602621, gnomAD 0.003%). This variant has not been reported in the literature in individuals affected with PDE6C-related conditions. ClinVar contains an entry for this variant (Variation ID: 1379031). Algorithms developed to predict the effect of missense changes on protein structure and function (SIFT, PolyPhen-2, Align-GVGD) all suggest that this variant is likely to be tolerated. In summary, the available evidence is currently insufficient to determine the role of this variant in disease. Therefore, it has been classified as a Variant of Uncertain Significance.

NM_006204.4(PDE6C):c.1558G>A (p.Gly520Arg)

Gene: PDE6C (phosphodiesterase 6C; plus strand). Cytogenetic location: 10q23.33.
Variant type: single nucleotide variant.
Coding change: c.1558G>A on transcript NM_006204.4 (MANE Select); coding-DNA position 1558, G replaced by A.
Protein change: p.Gly520Arg; replaces glycine 520 with arginine.
Molecular consequence: missense variant.
Genome position (GRCh38, 1-based): chr10:93,640,145, G>A. VCF-style: chr10-93640145-G-A. GRCh37 (hg19) VCF-style: chr10-95399902-G-A.
Other names: short protein forms G520R.
Identifiers: ClinVar variation 1379031 (VCV001379031.3), dbSNP rs267602621, ClinGen allele CA5610230.
Genomic context (GRCh38, chr10:93,640,145, plus strand): 5'-GACCCACGCTCAGCAGAACTGTACGAATTCCGCTTCAGTGACTTCCCCCTTACAGAGCAC[G>A]GATTGATTAAATGTGGAATACGACTGTTTTTTGAAATAAATGTGGTGGAGAAATTCAAAG-3'
Protein context (NP_006195.3, residues 510-530): RFSDFPLTEH[Gly520Arg]LIKCGIRLFF